The following is an entry in ClinVar:

NM_006516.4(SLC2A1):c.757C>T (p.Arg253Trp)

Gene: SLC2A1 (solute carrier family 2 member 1; minus strand). Cytogenetic location: 1p34.2.
Variant type: single nucleotide variant.
Coding change: c.757C>T on transcript NM_006516.4 (MANE Select); coding-DNA position 757, C replaced by T.
Protein change: p.Arg253Trp; replaces arginine 253 with tryptophan.
Molecular consequence: missense variant.
Genome position (GRCh38, 1-based): chr1:42,929,703, G>A on the plus strand (C>T on the coding strand, the complement: SLC2A1 is on the minus strand). VCF-style: chr1-42929703-G-A. GRCh37 (hg19) VCF-style: chr1-43395374-G-A.
Other names: short protein forms R253W.
Identifiers: ClinVar variation 1375401 (VCV001375401.11), dbSNP rs1451575059, ClinGen allele CA339957924.

ClinVar aggregate classification (germline): Uncertain significance. Review status: criteria provided, multiple submitters, no conflicts (2 of 4 stars). 7 submissions from 3 submitters: Uncertain significance (7). Last evaluated 2026-01-12.

Conditions:
Hereditary cryohydrocytosis with reduced stomatin. Also called: Stomatin-deficient cryohydrocytosis with neurologic defects; GLUT1 DEFICIENCY SYNDROME WITH PSEUDOHYPERKALEMIA AND HEMOLYSIS. Identifiers: Orphanet 168577, MedGen C1837206, MONDO:0012143, OMIM 608885.
Epilepsy, idiopathic generalized, susceptibility to, 12 (EIG12). Identifiers: MedGen C3553859, MONDO:0013919, OMIM 614847.
Dystonia 9 (DYT9). Also called: CHOREOATHETOSIS, KINESIGENIC, WITH EPISODIC ATAXIA AND SPASTICITY. Identifiers: Orphanet 53583, MedGen C1832855, MONDO:0010983, OMIM 601042.
Childhood onset GLUT1 deficiency syndrome 2. Also called: Exertion-induced paroxysmal dyskinesia; PAROXYSMAL EXERCISE-INDUCED DYSKINESIA WITH OR WITHOUT EPILEPSY AND/OR HEMOLYTIC ANEMIA; PAROXYSMAL EXERTION-INDUCED DYSTONIA WITH OR WITHOUT EPILEPSY AND/OR HEMOLYTIC ANEMIA; PED WITH OR WITHOUT EPILEPSY AND/OR HEMOLYTIC ANEMIA; Paroxysmal exercise-induced dystonia; GLUT1 deficiency syndrome 2. Identifiers: Orphanet 98811, MedGen C1842534, MONDO:0012805, OMIM 612126.
Encephalopathy due to GLUT1 deficiency. Also called: De Vivo disease; GLUCOSE TRANSPORT DEFECT, BLOOD-BRAIN BARRIER; Classic Glucose Transporter Type 1 Deficiency Syndrome; Glucose transporter protein syndrome; GLUT1 deficiency syndrome 1; GLUT1 deficiency syndrome 1, infantile onset, severe. Identifiers: Orphanet 71277, MedGen C4551966, MONDO:0011724, OMIM 606777.
GLUT1 deficiency syndrome 1, autosomal recessive. Identifiers: MedGen C3149117.

Submissions (7):

Labcorp Genetics (formerly Invitae), Labcorp
Classification: Uncertain significance for GLUT1 deficiency syndrome 1, autosomal recessive. Last evaluated: 2026-01-12. Review status: criteria provided, single submitter. Criteria: Invitae Variant Classification Sherloc (09022015). Collection method: clinical testing. Allele origin: germline.
Comment: This sequence change replaces arginine, which is basic and polar, with tryptophan, which is neutral and slightly polar, at codon 253 of the SLC2A1 protein (p.Arg253Trp). This variant is not present in population databases (gnomAD no frequency). This variant has not been reported in the literature in individuals affected with SLC2A1-related conditions. ClinVar contains an entry for this variant (Variation ID: 1375401). Invitae Evidence Modeling of protein sequence and biophysical properties (such as structural, functional, and spatial information, amino acid conservation, physicochemical variation, residue mobility, and thermodynamic stability) indicates that this missense variant is expected to disrupt SLC2A1 protein function with a positive predictive value of 80%. In summary, the available evidence is currently insufficient to determine the role of this variant in disease. Therefore, it has been classified as a Variant of Uncertain Significance.

GeneDx
Classification: Uncertain significance. Last evaluated: 2023-04-26. Review status: criteria provided, single submitter. Criteria: GeneDx Variant Classification Process June 2021. Collection method: clinical testing. Allele origin: germline.
Comment: Not observed at significant frequency in large population cohorts (gnomAD); In silico analysis supports that this missense variant has a deleterious effect on protein structure/function; Has not been previously published as pathogenic or benign to our knowledge

Genome-Nilou Lab
Classification: Uncertain significance for Epilepsy, idiopathic generalized, susceptibility to, 12. Last evaluated: 2023-04-11. Review status: criteria provided, single submitter. Criteria: ACMG Guidelines, 2015. Collection method: clinical testing. Allele origin: germline. Affected: no.

Genome-Nilou Lab
Classification: Uncertain significance for Dystonia 9. Last evaluated: 2023-04-11. Review status: criteria provided, single submitter. Criteria: ACMG Guidelines, 2015. Collection method: clinical testing. Allele origin: germline. Affected: no.

Genome-Nilou Lab
Classification: Uncertain significance for Encephalopathy due to GLUT1 deficiency. Last evaluated: 2023-04-11. Review status: criteria provided, single submitter. Criteria: ACMG Guidelines, 2015. Collection method: clinical testing. Allele origin: germline. Affected: no.

Genome-Nilou Lab
Classification: Uncertain significance for Childhood onset GLUT1 deficiency syndrome 2. Last evaluated: 2023-04-11. Review status: criteria provided, single submitter. Criteria: ACMG Guidelines, 2015. Collection method: clinical testing. Allele origin: germline. Affected: no.

Genome-Nilou Lab
Classification: Uncertain significance for Hereditary cryohydrocytosis with reduced stomatin. Last evaluated: 2023-04-11. Review status: criteria provided, single submitter. Criteria: ACMG Guidelines, 2015. Collection method: clinical testing. Allele origin: germline. Affected: no.